The following is an entry in ClinVar:

NM_025132.4(WDR19):c.3311A>T (p.Glu1104Val)

Gene: WDR19 (WD repeat domain 19; plus strand). Cytogenetic location: 4p14.
Variant type: single nucleotide variant.
Coding change: c.3311A>T on transcript NM_025132.4 (MANE Select); coding-DNA position 3311, A replaced by T.
Protein change: p.Glu1104Val; replaces glutamic acid 1104 with valine.
Molecular consequence: missense variant.
Genome position (GRCh38, 1-based): chr4:39,268,044, A>T. VCF-style: chr4-39268044-A-T. GRCh37 (hg19) VCF-style: chr4-39269664-A-T.
Other names: c.2831A>T, p.Glu944Val (NM_001317924.2); short protein forms E1104V, E944V.
Identifiers: ClinVar variation 1051131 (VCV001051131.9), dbSNP rs1734985961, ClinGen allele CA356645136.

ClinVar aggregate classification (germline): Uncertain significance (1 of 4 stars; one submission).

Conditions:
Senior-Loken syndrome 8 (SLSN8). Identifiers: Orphanet 3156, MedGen C4225376, MONDO:0014579, OMIM 616307.
Asphyxiating thoracic dystrophy 5 (SRTD5). Also called: SHORT-RIB THORACIC DYSPLASIA 5 WITH OR WITHOUT POLYDACTYLY; SHORT-RIB THORACIC DYSPLASIA 5 WITHOUT POLYDACTYLY. Identifiers: Orphanet 474, MedGen C3280598, MONDO:0013717, OMIM 614376.

Submission:

Labcorp Genetics (formerly Invitae), Labcorp
Classification: Uncertain significance for Senior-Loken syndrome 8; Asphyxiating thoracic dystrophy 5. Last evaluated: 2022-07-05. Review status: criteria provided, single submitter. Criteria: Invitae Variant Classification Sherloc (09022015). Collection method: clinical testing. Allele origin: germline.
Comment: In summary, the available evidence is currently insufficient to determine the role of this variant in disease. Therefore, it has been classified as a Variant of Uncertain Significance. Algorithms developed to predict the effect of missense changes on protein structure and function (SIFT, PolyPhen-2, Align-GVGD) all suggest that this variant is likely to be disruptive. ClinVar contains an entry for this variant (Variation ID: 1051131). This variant has not been reported in the literature in individuals affected with WDR19-related conditions. This variant is not present in population databases (gnomAD no frequency). This sequence change replaces glutamic acid, which is acidic and polar, with valine, which is neutral and non-polar, at codon 1104 of the WDR19 protein (p.Glu1104Val).